The following is an entry in ClinVar:

NM_006445.4(PRPF8):c.3774+10C>T

Gene: PRPF8 (pre-mRNA processing factor 8; minus strand). Cytogenetic location: 17p13.3.
Variant type: single nucleotide variant.
Coding change: c.3774+10C>T on transcript NM_006445.4 (MANE Select); 10 bases into the intron after coding-DNA position 3774, C replaced by T.
Molecular consequence: intron variant.
Genome position (GRCh38, 1-based): chr17:1,673,071, G>A on the plus strand (C>T on the coding strand, the complement: PRPF8 is on the minus strand). VCF-style: chr17-1673071-G-A. GRCh37 (hg19) VCF-style: chr17-1576365-G-A.
Other names: c.3774+10C>T (NM_006445.3).
Identifiers: ClinVar variation 2895732 (VCV002895732.5), dbSNP rs1435460062, ClinGen allele CA624565287.

ClinVar aggregate classification (germline): Likely benign. Review status: criteria provided, multiple submitters, no conflicts (2 of 4 stars). 3 submissions from 3 submitters: Likely benign (3). Last evaluated 2025-10-03.

Conditions:
PRPF8-related disorder. Also called: PRPF8-related condition.

Allele frequency attached by ClinVar (database versions not stated): gnomAD 0.00002; TOPMed 0.00002; gnomAD exomes 0.00005.

Submissions (3):

Labcorp Genetics (formerly Invitae), Labcorp
Classification: Likely benign. Last evaluated: 2025-10-03. Review status: criteria provided, single submitter. Criteria: Invitae Variant Classification Sherloc (09022015). Collection method: clinical testing. Allele origin: germline.

PreventionGenetics, part of Exact Sciences
Classification: Likely benign for PRPF8-related condition. Last evaluated: 2025-04-03. Review status: criteria provided, single submitter. Criteria: ACMG Guidelines, 2015. Collection method: clinical testing. Allele origin: germline.
Comment: This variant is classified as likely benign based on ACMG/AMP sequence variant interpretation guidelines (Richards et al. 2015 PMID: 25741868, with internal and published modifications).

Blueprint Genetics
Classification: Likely benign. Last evaluated: 2024-10-22. Review status: criteria provided, single submitter. Criteria: ACMG Guidelines, 2015. Collection method: clinical testing. Allele origin: germline.